The following is an entry in ClinVar:

NM_001042492.3(NF1):c.6845C>T (p.Pro2282Leu)

Gene: NF1 (neurofibromin 1; plus strand). Cytogenetic location: 17q11.2.
Variant type: single nucleotide variant.
Coding change: c.6845C>T on transcript NM_001042492.3 (MANE Select); coding-DNA position 6845, C replaced by T.
Protein change: p.Pro2282Leu; replaces proline 2282 with leucine.
Molecular consequence: missense variant.
Genome position (GRCh38, 1-based): chr17:31,338,729, C>T. VCF-style: chr17-31338729-C-T. GRCh37 (hg19) VCF-style: chr17-29665747-C-T.
Other names: c.6782C>T, p.Pro2261Leu (NM_000267.4); short protein forms P2261L, P2282L.
Identifiers: ClinVar variation 947202 (VCV000947202.7), dbSNP rs2069743547, ClinGen allele CA399014297.
Genomic context (GRCh38, chr17:31,338,729, plus strand): 5'-TGAAAGTAAAATAAAAAATTCTGTTTTCCTAAAAGGCACTTGAGAGTTGCTTAAAAGGAC[C>T]TGACACTTACAACAGTCAAGTTCTGATAGAAGCTACAGTAATAGCACTAACCAAATTACA-3'
Protein context (NP_001035957.1, residues 2272-2292): SKALESCLKG[Pro2282Leu]DTYNSQVLIE

ClinVar aggregate classification (germline): Likely pathogenic. Review status: criteria provided, multiple submitters, no conflicts (2 of 4 stars). 2 submissions from 2 submitters: Likely pathogenic (2). Last evaluated 2025-03-26.

Conditions:
Neurofibromatosis, type 1 (NF1). Also called: Peripheral type neurofibromatosis; Neurofibromatosis, type I; VON RECKLINGHAUSEN DISEASE; NEUROFIBROMATOSIS, TYPE I, SOMATIC. Identifiers: Orphanet 636, MedGen C0027831, MONDO:0018975, OMIM 162200. Disease mechanism: loss of function.
Hereditary cancer-predisposing syndrome. Also called: Neoplastic Syndromes, Hereditary; Hereditary neoplastic syndrome; Hereditary Cancer Syndrome; Tumor predisposition. Identifiers: Orphanet 140162, MedGen C0027672, MeSH D009386, MONDO:0015356.
Cardiovascular phenotype. Identifiers: MedGen CN230736.

Allele frequency attached by ClinVar (database versions not stated): gnomAD exomes below 0.00001.
gnomAD v4.1: 1 of 1,613,096 alleles (0.000062%); highest among the groups gnomAD compares: Non-Finnish European, 0.000085%; no homozygotes.

Submissions (2):

Labcorp Genetics (formerly Invitae), Labcorp
Classification: Likely pathogenic for Neurofibromatosis, type 1. Last evaluated: 2025-03-26. Review status: criteria provided, single submitter. Criteria: Invitae Variant Classification Sherloc (09022015). Collection method: clinical testing. Allele origin: germline.
Comment: This sequence change replaces proline, which is neutral and non-polar, with leucine, which is neutral and non-polar, at codon 2261 of the NF1 protein (p.Pro2261Leu). This variant is not present in population databases (gnomAD no frequency). This missense change has been observed in individual(s) with clinical features of neurofibromatosis type 1 (PMID: 29618358; external communication, internal data). ClinVar contains an entry for this variant (Variation ID: 947202). Invitae Evidence Modeling of protein sequence and biophysical properties (such as structural, functional, and spatial information, amino acid conservation, physicochemical variation, residue mobility, and thermodynamic stability) indicates that this missense variant is not expected to disrupt NF1 protein function with a negative predictive value of 95%. In summary, the currently available evidence indicates that the variant is pathogenic, but additional data are needed to prove that conclusively. Therefore, this variant has been classified as Likely Pathogenic.

Ambry Genetics
Classification: Likely pathogenic for Cardiovascular phenotype; Hereditary cancer-predisposing syndrome. Last evaluated: 2024-01-04. Review status: criteria provided, single submitter. Criteria: Ambry Variant Classification Scheme 2023. Collection method: clinical testing. Allele origin: germline.
Comment: The p.P2261L variant (also known as c.6782C>T), located in coding exon 45 of the NF1 gene, results from a C to T substitution at nucleotide position 6782. The proline at codon 2261 is replaced by leucine, an amino acid with similar properties. This alteration has been observed in at least one individual with a personal and/or family history that is consistent with NF1-related disease (Ambry internal data; External communication; Corsello G et al. Ital J Pediatr, 2018 Apr;44:45). This amino acid position is highly conserved in available vertebrate species. In addition, the in silico prediction for this alteration is inconclusive. This missense alteration is located in a region that has a low rate of benign missense variation (Lek M et al. Nature. 2016 Aug 18;536(7616):285-91; DECIPHER: Database of Chromosomal Imbalance and Phenotype in Humans using Ensembl Resources. Firth H.V. et al. 2009. Am.J.Hum.Genet. 84, 524-533 (DOI)). Based on the majority of available evidence to date, this variant is likely to be pathogenic.

Literature cited by the submitters: PubMed 29618358 (cited by Labcorp Genetics (formerly Invitae), Labcorp).